The following is an entry in ClinVar:

ClinVar aggregate classification (germline): Uncertain significance (1 of 4 stars; one submission).

Allele frequency attached by ClinVar (database versions not stated): gnomAD exomes below 0.00001; ExAC 0.00001.

Submission:

Labcorp Genetics (formerly Invitae), Labcorp
Classification: Uncertain significance. Last evaluated: 2022-06-05. Review status: criteria provided, single submitter. Criteria: Invitae Variant Classification Sherloc (09022015). Collection method: clinical testing. Allele origin: germline.
Comment: Algorithms developed to predict the effect of missense changes on protein structure and function output the following: SIFT: "Tolerated"; PolyPhen-2: "Benign"; Align-GVGD: "Class C0". The glutamine amino acid residue is found in multiple mammalian species, which suggests that this missense change does not adversely affect protein function. ClinVar contains an entry for this variant (Variation ID: 1364458). This variant has not been reported in the literature in individuals affected with SARS2-related conditions. This variant is present in population databases (rs779531947, gnomAD 0.003%). This sequence change replaces arginine, which is basic and polar, with glutamine, which is neutral and polar, at codon 489 of the SARS2 protein (p.Arg489Gln). Algorithms developed to predict the effect of sequence changes on RNA splicing suggest that this variant may create or strengthen a splice site. In summary, the available evidence is currently insufficient to determine the role of this variant in disease. Therefore, it has been classified as a Variant of Uncertain Significance.

NM_017827.4(SARS2):c.1466G>A (p.Arg489Gln)

Gene: SARS2 (seryl-tRNA synthetase 2, mitochondrial; minus strand). Cytogenetic location: 19q13.2.
Variant type: single nucleotide variant.
Coding change: c.1466G>A on transcript NM_017827.4 (MANE Select); coding-DNA position 1466, G replaced by A.
Protein change: p.Arg489Gln; replaces arginine 489 with glutamine.
Molecular consequence: missense variant.
Genome position (GRCh38, 1-based): chr19:38,915,697, C>T on the plus strand (G>A on the coding strand, the complement: SARS2 is on the minus strand). VCF-style: chr19-38915697-C-T. GRCh37 (hg19) VCF-style: chr19-39406337-C-T.
Other names: c.1472G>A, p.Arg491Gln (NM_001145901.2); short protein forms R491Q, R489Q.
Identifiers: ClinVar variation 1364458 (VCV001364458.5), dbSNP rs779531947, ClinGen allele CA9422688.